The following is an entry in ClinVar:

NM_000081.4(LYST):c.5254C>G (p.Gln1752Glu)

Gene: LYST (lysosomal trafficking regulator; minus strand). Cytogenetic location: 1q42.3.
Variant type: single nucleotide variant.
Coding change: c.5254C>G on transcript NM_000081.4 (MANE Select); coding-DNA position 5254, C replaced by G.
Protein change: p.Gln1752Glu; replaces glutamine 1752 with glutamic acid.
Molecular consequence: missense variant.
Genome position (GRCh38, 1-based): chr1:235,777,269, G>C on the plus strand (C>G on the coding strand, the complement: LYST is on the minus strand). VCF-style: chr1-235777269-G-C. GRCh37 (hg19) VCF-style: chr1-235940569-G-C.
Other names: c.5254C>G, p.Gln1752Glu (NM_001301365.1); short protein forms Q1752E.
Identifiers: ClinVar variation 2099958 (VCV002099958.1), dbSNP rs2527995448, ClinGen allele CA344953900.

ClinVar aggregate classification (germline): Uncertain significance (1 of 4 stars; one submission).

Conditions:
Chédiak-Higashi syndrome (CHS). Also called: Chediak-Higashi Syndrome. Identifiers: Orphanet 167, MedGen C0007965, MONDO:0008963, OMIM 214500.

gnomAD v4.1: 2 of 1,612,228 alleles (0.00012%); highest among the groups gnomAD compares: Non-Finnish European, 0.00017%; no homozygotes.

Submission:

Labcorp Genetics (formerly Invitae), Labcorp
Classification: Uncertain significance for Chédiak-Higashi syndrome. Last evaluated: 2022-06-30. Review status: criteria provided, single submitter. Criteria: Invitae Variant Classification Sherloc (09022015). Collection method: clinical testing. Allele origin: germline.
Comment: This sequence change replaces glutamine, which is neutral and polar, with glutamic acid, which is acidic and polar, at codon 1752 of the LYST protein (p.Gln1752Glu). This variant is not present in population databases (gnomAD no frequency). This variant has not been reported in the literature in individuals affected with LYST-related conditions. Algorithms developed to predict the effect of missense changes on protein structure and function (SIFT, PolyPhen-2, Align-GVGD) all suggest that this variant is likely to be tolerated. In summary, the available evidence is currently insufficient to determine the role of this variant in disease. Therefore, it has been classified as a Variant of Uncertain Significance.